The following is an entry in ClinVar:

ClinVar aggregate classification (germline): Likely pathogenic (1 of 4 stars; one submission).

Conditions:
Ectodermal dysplasia 14, hair/tooth type with or without hypohidrosis. Identifiers: Orphanet 685067, MedGen C4748560, MONDO:0032584, OMIM 618180.

Submission:

Lupski Lab, Baylor-Hopkins CMG, Baylor College of Medicine
Classification: Likely pathogenic for Ectodermal dysplasia 14, hair/tooth type with or without hypohidrosis. Last evaluated: 2026-06-30. Review status: criteria provided, single submitter. Criteria: ACMG Guidelines, 2015. Collection method: research. Allele origin: maternal, paternal, germline. Inheritance: Autosomal recessive inheritance. Affected: yes and no. Observed: 5 variant alleles, 3 heterozygotes, 2 compound heterozygotes. Clinical features observed: Keratosis pilaris (HP:0032152), Fine hair (HP:0002213), Brittle hair (HP:0002299), Abnormal toenail morphology (HP:0008388), Concave nail (HP:0001598), Fragile nails (HP:0001808), Tooth agenesis (HP:0009804), Hypodontia (HP:0000668), Small, conical teeth (HP:0200141), Abnormal dental morphology (HP:0006482), Abnormal sweat gland morphology (HP:0000971), Heat intolerance (HP:0002046), and 2 more.
Comment: It has a spliceAI donor gain delta score of 0.27. In a minigene splicing assay, it was shown to introduce a 154 bp pseudoexon that introduces a premature stop codon, and is predicted to undergo NMD (PVS1_Strong= +4pts; PMID: 37352859). This variant is at extremely low frequency in gnomAD (PM2_Supporting= +1pt). 7 pts (PM3 +2, PVS1 +4, PM2 +1).

Literature cited by the submitters: PubMed 37352859.

NM_144991.3(TSPEAR):c.1857-2219G>A

Gene: TSPEAR (thrombospondin type laminin G domain and EAR repeats; minus strand). Cytogenetic location: 21q22.3.
Variant type: single nucleotide variant.
Coding change: c.1857-2219G>A on transcript NM_144991.3 (MANE Select); 2219 bases into the intron before coding-DNA position 1857, G replaced by A.
Molecular consequence: intron variant.
Genome position (GRCh38, 1-based): chr21:44,502,155, C>T on the plus strand (G>A on the coding strand, the complement: TSPEAR is on the minus strand). VCF-style: chr21-44502155-C-T. GRCh37 (hg19) VCF-style: chr21-45922038-C-T.
Other names: c.1653-2219G>A (NM_001272037.2).
Identifiers: ClinVar variation 4974484 (VCV004974484.1).